The following is an entry in ClinVar:

NM_001008212.2(OPTN):c.447G>A (p.Arg149=)

Gene: OPTN (optineurin; plus strand). Cytogenetic location: 10p13.
Variant type: single nucleotide variant.
Coding change: c.447G>A on transcript NM_001008212.2 (MANE Select); coding-DNA position 447, G replaced by A.
Protein change: p.Arg149=; no amino-acid change (arginine 149 retained).
Molecular consequence: synonymous variant.
Genome position (GRCh38, 1-based): chr10:13,112,530, G>A. VCF-style: chr10-13112530-G-A. GRCh37 (hg19) VCF-style: chr10-13154530-G-A.
Other names: c.447G>A, p.Arg149= (NM_001008211.1, NM_001008213.1, NM_021980.4).
Identifiers: ClinVar variation 299214 (VCV000299214.22), dbSNP rs555741399, ClinGen allele CA5410626.

ClinVar aggregate classification (germline): Benign/Likely benign. Review status: criteria provided, multiple submitters, no conflicts (2 of 4 stars). 6 submissions from 5 submitters: Benign (1); Likely benign (4). 1 of the submissions does not count toward it. Last evaluated 2026-10-01.

Conditions:
Amyotrophic lateral sclerosis type 12 (ALS12). Also called: AMYOTROPHIC LATERAL SCLEROSIS 12 WITH OR WITHOUT FRONTOTEMPORAL DEMENTIA. Identifiers: Orphanet 803, MedGen C3150692, MONDO:0013264, OMIM 613435.
Glaucoma 1, open angle, E. Identifiers: MedGen C1842026, MONDO:0007665.
Primary open angle glaucoma (POAG). Also called: OPTN-related open angle glaucoma. Identifiers: MedGen C0339573, MONDO:0100553, OMIM 137760.
OPTN-related disorder. Also called: OPTN-related condition; OPTN-related disorders.
Inborn genetic diseases. Identifiers: MedGen C0950123, MeSH D030342.

Allele frequency attached by ClinVar (database versions not stated): gnomAD 0.00001 and 0.00013; TOPMed 0.00001; gnomAD exomes 0.00024 and 0.00045; 1000 Genomes Project 0.00040; 1000 Genomes Project 30x 0.00047; ExAC 0.00060.
gnomAD v4.1: 366 of 1,614,096 alleles (0.023%); highest among the groups gnomAD compares: South Asian, 0.38%; 5 homozygotes.

Submissions (6):

CeGaT Center for Human Genetics Tuebingen
Classification: Likely benign. Last evaluated: 2026-10-01. Review status: criteria provided, single submitter. Criteria: CeGaT Center For Human Genetics Tuebingen Variant Classification Criteria Version 2. Collection method: clinical testing. Allele origin: germline. Affected: yes. Observed: 1 variant allele.
Comment: OPTN: BP4, BP7

Labcorp Genetics (formerly Invitae), Labcorp
Classification: Benign for Primary open angle glaucoma; Glaucoma 1, open angle, E; Amyotrophic lateral sclerosis type 12. Last evaluated: 2025-01-26. Review status: criteria provided, single submitter. Criteria: Invitae Variant Classification Sherloc (09022015). Collection method: clinical testing. Allele origin: germline.

Ambry Genetics
Classification: Likely benign for Inborn genetic diseases. Last evaluated: 2019-07-11. Review status: criteria provided, single submitter. Criteria: Ambry Variant Classification Scheme 2023. Collection method: clinical testing. Allele origin: germline.

Illumina Laboratory Services, Illumina
Classification: Likely benign for Primary open angle glaucoma. Last evaluated: 2017-04-27. Review status: criteria provided, single submitter. Criteria: ICSL Variant Classification Criteria 13 December 2019. Collection method: clinical testing. Allele origin: germline.
Comment: This variant was observed as part of a predisposition screen in an ostensibly healthy population. A literature search was performed for the gene, cDNA change, and amino acid change (where applicable). Publications were found based on this search. The evidence from the literature, in combination with allele frequency data from public databases where available, was sufficient to determine this variant is unlikely to cause disease. Therefore, this variant is classified as likely benign.

Illumina Laboratory Services, Illumina
Classification: Likely benign for Amyotrophic lateral sclerosis type 12. Last evaluated: 2017-04-27. Review status: criteria provided, single submitter. Criteria: ICSL Variant Classification Criteria 13 December 2019. Collection method: clinical testing. Allele origin: germline.
Comment: the same text as in the submission from Illumina Laboratory Services, Illumina above.

PreventionGenetics, part of Exact Sciences
Classification: Likely benign for OPTN-related condition. Last evaluated: 2019-05-23. Review status: no assertion criteria provided. Collection method: clinical testing. Allele origin: germline. Not counted in ClinVar's aggregate classification.
Comment: This variant is classified as likely benign based on ACMG/AMP sequence variant interpretation guidelines (Richards et al. 2015 PMID: 25741868, with internal and published modifications).

Literature cited by the submitters: PubMed 16205626 (cited by Illumina Laboratory Services, Illumina); PubMed 22892313 (cited by Illumina Laboratory Services, Illumina).